The following is an entry in ClinVar:

ClinVar aggregate classification (germline): Uncertain significance (1 of 4 stars; one submission).

Conditions:
SEMA3A-related disorder. Also called: SEMA3A-related condition.

Submission:

PreventionGenetics, part of Exact Sciences
Classification: Uncertain significance for SEMA3A-related condition. Last evaluated: 2025-10-06. Review status: criteria provided, single submitter. Criteria: ACMG Guidelines, 2015. Collection method: clinical testing. Allele origin: germline.
Comment: The SEMA3A c.1460C>T variant is predicted to result in the amino acid substitution p.Thr487Ile. To our knowledge, this variant has not been reported in the literature or in a large population database (gnomAD), indicating this variant is rare. At this time, the clinical significance of this variant is uncertain due to the absence of conclusive functional and genetic evidence.

NM_006080.3(SEMA3A):c.1460C>T (p.Thr487Ile)

Gene: SEMA3A (semaphorin 3A; minus strand). Cytogenetic location: 7q21.11.
Variant type: single nucleotide variant.
Coding change: c.1460C>T on transcript NM_006080.3 (MANE Select); coding-DNA position 1460, C replaced by T.
Protein change: p.Thr487Ile; replaces threonine 487 with isoleucine.
Molecular consequence: missense variant.
Genome position (GRCh38, 1-based): chr7:83,985,470, G>A on the plus strand (C>T on the coding strand, the complement: SEMA3A is on the minus strand). VCF-style: chr7-83985470-G-A. GRCh37 (hg19) VCF-style: chr7-83614786-G-A.
Other names: short protein forms T487I.
Identifiers: ClinVar variation 4992156 (VCV004992156.1).